The following is an entry in ClinVar:

ClinVar aggregate classification (germline): Uncertain significance (1 of 4 stars; one submission).

Conditions:
Muscular dystrophy-dystroglycanopathy (congenital with brain and eye anomalies), type A, 7. Also called: WALKER-WARBURG SYNDROME OR MUSCLE-EYE-BRAIN DISEASE, ISPD-RELATED; Congenital muscular dystrophy-dystroglycanopathy with brain and eye anomalies, type A7. Identifiers: Orphanet 899, MedGen C3553330, MONDO:0013835, OMIM 614643.
Autosomal recessive limb-girdle muscular dystrophy type 2U. Also called: Muscular dystrophy-dystroglycanopathy (limb-girdle), type c, 7; MUSCULAR DYSTROPHY, LIMB-GIRDLE, TYPE 2U. Identifiers: Orphanet 352479, MedGen C5190987, MONDO:0014474, OMIM 616052.

Allele frequency attached by ClinVar (database versions not stated): gnomAD exomes below 0.00001; ExAC 0.00001; gnomAD 0.00001; TOPMed 0.00002.
gnomAD v4.1: 4 of 1,538,816 alleles (0.00026%); highest among the groups gnomAD compares: Admixed American, 0.0017%; no homozygotes.

Submission:

Labcorp Genetics (formerly Invitae), Labcorp
Classification: Uncertain significance for Muscular dystrophy-dystroglycanopathy (congenital with brain and eye anomalies), type A, 7; Autosomal recessive limb-girdle muscular dystrophy type 2U. Last evaluated: 2025-02-25. Review status: criteria provided, single submitter. Criteria: Invitae Variant Classification Sherloc (09022015). Collection method: clinical testing. Allele origin: germline.
Comment: This sequence change falls in intron 3 of the ISPD gene. It does not directly change the encoded amino acid sequence of the ISPD protein. It affects a nucleotide within the consensus splice site. The frequency data for this variant in the population databases is considered unreliable, as metrics indicate poor data quality at this position in the gnomAD database. This variant has not been reported in the literature in individuals affected with ISPD-related conditions. ClinVar contains an entry for this variant (Variation ID: 1680775). Variants that disrupt the consensus splice site are a relatively common cause of aberrant splicing (PMID: 17576681, 9536098). Algorithms developed to predict the effect of sequence changes on RNA splicing suggest that this variant is not likely to affect RNA splicing. In summary, the available evidence is currently insufficient to determine the role of this variant in disease. Therefore, it has been classified as a Variant of Uncertain Significance.

Literature cited by the submitters: PubMed 17576681; PubMed 9536098.

NM_001101426.4(CRPPA):c.685-3C>T

Gene: CRPPA (CDP-L-ribitol pyrophosphorylase A; minus strand). Cytogenetic location: 7p21.2.
Variant type: single nucleotide variant.
Coding change: c.685-3C>T on transcript NM_001101426.4 (MANE Select); 3 bases into the intron before coding-DNA position 685, C replaced by T.
Molecular consequence: intron variant.
Genome position (GRCh38, 1-based): chr7:16,308,630, G>A on the plus strand (C>T on the coding strand, the complement: CRPPA is on the minus strand). VCF-style: chr7-16308630-G-A. GRCh37 (hg19) VCF-style: chr7-16348255-G-A.
Other names: c.535-3C>T (NM_001101417.4); c.685-7164C>T (NM_001368197.1).
Identifiers: ClinVar variation 1680775 (VCV001680775.4), dbSNP rs776027620, ClinGen allele CA4169527.